The following is an entry in ClinVar:

NM_182914.3(SYNE2):c.4640T>C (p.Leu1547Ser)

Gene: SYNE2 (spectrin repeat containing nuclear envelope protein 2; plus strand). Cytogenetic location: 14q23.2.
Variant type: single nucleotide variant.
Coding change: c.4640T>C on transcript NM_182914.3 (MANE Select); coding-DNA position 4640, T replaced by C.
Protein change: p.Leu1547Ser; replaces leucine 1547 with serine.
Molecular consequence: missense variant.
Genome position (GRCh38, 1-based): chr14:64,010,028, T>C. VCF-style: chr14-64010028-T-C. GRCh37 (hg19) VCF-style: chr14-64476746-T-C.
Other names: c.4640T>C, p.Leu1547Ser (NM_015180.6); short protein forms L1547S.
Identifiers: ClinVar variation 663645 (VCV000663645.8), dbSNP rs1594836938, ClinGen allele CA389935983.

ClinVar aggregate classification (germline): Uncertain significance (1 of 4 stars; one submission).

Conditions:
Emery-Dreifuss muscular dystrophy 5, autosomal dominant (EDMD5). Also called: EMERY-DREIFUSS MUSCULAR DYSTROPHY 5. Identifiers: Orphanet 261, MedGen C2751805, MONDO:0013072, OMIM 612999.

Submission:

Labcorp Genetics (formerly Invitae), Labcorp
Classification: Uncertain significance for Emery-Dreifuss muscular dystrophy 5, autosomal dominant. Last evaluated: 2022-06-20. Review status: criteria provided, single submitter. Criteria: Invitae Variant Classification Sherloc (09022015). Collection method: clinical testing. Allele origin: germline.
Comment: In summary, the available evidence is currently insufficient to determine the role of this variant in disease. Therefore, it has been classified as a Variant of Uncertain Significance. Algorithms developed to predict the effect of missense changes on protein structure and function are either unavailable or do not agree on the potential impact of this missense change (SIFT: "Deleterious"; PolyPhen-2: "Probably Damaging"; Align-GVGD: "Class C0"). ClinVar contains an entry for this variant (Variation ID: 663645). This variant has not been reported in the literature in individuals affected with SYNE2-related conditions. This variant is not present in population databases (gnomAD no frequency). This sequence change replaces leucine, which is neutral and non-polar, with serine, which is neutral and polar, at codon 1547 of the SYNE2 protein (p.Leu1547Ser).